The following is an entry in ClinVar:

NM_003114.5(SPAG1):c.2330T>C (p.Met777Thr)

Gene: SPAG1 (sperm associated antigen 1; plus strand). Cytogenetic location: 8q22.2.
Variant type: single nucleotide variant.
Coding change: c.2330T>C on transcript NM_003114.5 (MANE Select); coding-DNA position 2330, T replaced by C.
Protein change: p.Met777Thr; replaces methionine 777 with threonine.
Molecular consequence: missense variant.
Genome position (GRCh38, 1-based): chr8:100,240,452, T>C. VCF-style: chr8-100240452-T-C. GRCh37 (hg19) VCF-style: chr8-101252680-T-C.
Other names: c.2330T>C, p.Met777Thr (NM_001374321.1, NM_172218.3); short protein forms M777T.
Identifiers: ClinVar variation 262802 (VCV000262802.21), dbSNP rs6511, ClinGen allele CA4827725.

ClinVar aggregate classification (germline): Benign/Likely benign. Review status: criteria provided, multiple submitters, no conflicts (2 of 4 stars). 8 submissions from 8 submitters: Benign (7); Likely benign (1). Last evaluated 2026-02-04.

Conditions:
Primary ciliary dyskinesia 28. Also called: CILIARY DYSKINESIA, PRIMARY, 28, WITH OR WITHOUT SITUS INVERSUS. Identifiers: Orphanet 244, MedGen C3809706, MONDO:0014216, OMIM 615505.
Primary ciliary dyskinesia. Also called: Ciliary dyskinesia. Identifiers: Orphanet 244, MedGen C0008780, MONDO:0016575, HP:0012265.

Allele frequency attached by ClinVar (database versions not stated): 1000 Genomes Project 0.62740; ESP Exome Variant Server 0.63755; gnomAD 0.63802 and 0.64386; 1000 Genomes Project 30x 0.63851; TOPMed 0.64699; gnomAD exomes 0.60851 and 0.61836; ExAC 0.61791.
gnomAD v4.1: 985,866 of 1,613,048 alleles (61%); highest among the groups gnomAD compares: Admixed American, 71%; 302,826 homozygotes.

Submissions (8):

Labcorp Genetics (formerly Invitae), Labcorp
Classification: Benign for Primary ciliary dyskinesia 28. Last evaluated: 2026-02-04. Review status: criteria provided, single submitter. Criteria: Invitae Variant Classification Sherloc (09022015). Collection method: clinical testing. Allele origin: germline.

Blueprint Genetics
Classification: Likely benign. Last evaluated: 2024-11-27. Review status: criteria provided, single submitter. Criteria: ACMG Guidelines, 2015. Collection method: clinical testing. Allele origin: germline.

Mayo Clinic Laboratories, Mayo Clinic
Classification: Benign. Last evaluated: 2022-04-26. Review status: criteria provided, single submitter. Criteria: ACMG Guidelines, 2015. Collection method: clinical testing. Allele origin: germline. Observed: 176 variant alleles.

Genome-Nilou Lab
Classification: Benign for Primary ciliary dyskinesia 28. Last evaluated: 2021-07-15. Review status: criteria provided, single submitter. Criteria: ACMG Guidelines, 2015. Collection method: clinical testing. Allele origin: germline. Affected: no.

Ambry Genetics
Classification: Benign for Primary ciliary dyskinesia. Last evaluated: 2016-07-07. Review status: criteria provided, single submitter. Criteria: Ambry Variant Classification Scheme 2023. Collection method: clinical testing. Allele origin: germline.

Laboratory for Molecular Medicine, Mass General Brigham Personalized Medicine
Classification: Benign. Last evaluated: 2016-03-28. Review status: criteria provided, single submitter. Criteria: LMM Criteria. Collection method: clinical testing. Allele origin: germline.
Comment: Variant identified in a genome or exome case(s) and assessed due to predicted null impact of the variant or pathogenic assertions in the literature or databases. Disclaimer: This variant has not undergone full assessment. The following are preliminary notes: Frequency

Breakthrough Genomics
Classification: Benign. Review status: criteria provided, single submitter. Criteria: ACMG Guidelines, 2015. Collection method: not provided. Allele origin: germline. Inheritance: Autosomal recessive inheritance. Affected: yes.

PreventionGenetics, part of Exact Sciences
Classification: Benign. Review status: criteria provided, single submitter. Criteria: ACMG Guidelines, 2015. Collection method: clinical testing. Allele origin: germline.